The following is an entry in ClinVar:

NM_006904.7(PRKDC):c.2807G>A (p.Ser936Asn)

Gene: PRKDC (protein kinase, DNA-activated, catalytic subunit; minus strand). Cytogenetic location: 8q11.21.
Variant type: single nucleotide variant.
Coding change: c.2807G>A on transcript NM_006904.7 (MANE Select); coding-DNA position 2807, G replaced by A.
Protein change: p.Ser936Asn; replaces serine 936 with asparagine.
Molecular consequence: missense variant.
Genome position (GRCh38, 1-based): chr8:47,912,537, C>T on the plus strand (G>A on the coding strand, the complement: PRKDC is on the minus strand). VCF-style: chr8-47912537-C-T. GRCh37 (hg19) VCF-style: chr8-48825097-C-T.
Other names: c.2807G>A, p.Ser936Asn (NM_001081640.2); short protein forms S936N.
Identifiers: ClinVar variation 3225811 (VCV003225811.1), dbSNP rs2089922405, ClinGen allele CA371158923.

ClinVar aggregate classification (germline): Uncertain significance (1 of 4 stars; one submission).

Allele frequency attached by ClinVar (database versions not stated): gnomAD exomes below 0.00001; TOPMed below 0.00001.
gnomAD v4.1: 2 of 1,612,550 alleles (0.00012%); highest among the groups gnomAD compares: South Asian, 0.0011%; no homozygotes.

Submission:

Ambry Genetics
Classification: Uncertain significance. Last evaluated: 2023-11-02. Review status: criteria provided, single submitter. Criteria: Ambry Variant Classification Scheme 2023. Collection method: clinical testing. Allele origin: germline.
Comment: The p.S936N variant (also known as c.2807G>A), located in coding exon 25 of the PRKDC gene, results from a G to A substitution at nucleotide position 2807. The serine at codon 936 is replaced by asparagine, an amino acid with highly similar properties. This amino acid position is conserved. In addition, this alteration is predicted to be tolerated by in silico analysis. Since supporting evidence is limited at this time, the clinical significance of this alteration remains unclear.